The following is an entry in ClinVar:

ClinVar aggregate classification (germline): Uncertain significance (1 of 4 stars; one submission).

Conditions:
Fanconi anemia (FA). Also called: Fanconi's anemia. Identifiers: Orphanet 84, MedGen C0015625, MeSH D005199, MONDO:0019391.

gnomAD v4.1: 2 of 1,612,526 alleles (0.00012%); highest among the groups gnomAD compares: Non-Finnish European, 0.000085%; no homozygotes.

Submission:

Labcorp Genetics (formerly Invitae), Labcorp
Classification: Uncertain significance for Fanconi anemia. Last evaluated: 2024-03-27. Review status: criteria provided, single submitter. Criteria: Invitae Variant Classification Sherloc (09022015). Collection method: clinical testing. Allele origin: germline.
Comment: This sequence change replaces cysteine, which is neutral and slightly polar, with arginine, which is basic and polar, at codon 1294 of the FANCD2 protein (p.Cys1294Arg). This variant is not present in population databases (gnomAD no frequency). This variant has not been reported in the literature in individuals affected with FANCD2-related conditions. Advanced modeling of protein sequence and biophysical properties (such as structural, functional, and spatial information, amino acid conservation, physicochemical variation, residue mobility, and thermodynamic stability) performed at Invitae indicates that this missense variant is expected to disrupt FANCD2 protein function with a positive predictive value of 80%. In summary, the available evidence is currently insufficient to determine the role of this variant in disease. Therefore, it has been classified as a Variant of Uncertain Significance.

NM_001018115.3(FANCD2):c.3880T>C (p.Cys1294Arg)

Genes: FANCD2 (FA complementation group D2; plus strand), FANCD2OS (FANCD2 opposite strand; minus strand). Cytogenetic location: 3p25.3.
Variant type: single nucleotide variant.
Coding change: c.3880T>C on transcript NM_001018115.3 (MANE Select); coding-DNA position 3880, T replaced by C.
Protein change: p.Cys1294Arg; replaces cysteine 1294 with arginine.
Molecular consequence: missense variant. On other transcripts: intron variant (2).
Genome position (GRCh38, 1-based): chr3:10,093,315, T>C. VCF-style: chr3-10093315-T-C. GRCh37 (hg19) VCF-style: chr3-10134999-T-C.
Other names: c.3880T>C, p.Cys1294Arg (NM_001319984.2, NM_033084.6); c.3769T>C, p.Cys1257Arg (NM_001374253.1); c.3850-974T>C (NM_001374254.1); c.*43+10883A>G (NM_173472.2); short protein forms C1294R, C1257R.
Identifiers: ClinVar variation 3703180 (VCV003703180.2).